The following is an entry in ClinVar:

ClinVar aggregate classification (germline): Pathogenic. Review status: criteria provided, multiple submitters, no conflicts (2 of 4 stars). 23 submissions from 23 submitters: Pathogenic (18). 5 of the submissions do not count toward it. Last evaluated 2026-01-21.

Conditions:
Cardiovascular phenotype. Identifiers: MedGen CN230736.
MYBPC3-related disorder. Also called: MYBPC3-related disorders; MYBPC3-related condition; MYBPC3-related disease.
Hypertrophic cardiomyopathy 4. Also called: Familial hypertrophic cardiomyopathy 4. Identifiers: MedGen C1861862, MONDO:0007268, OMIM 115197.
Left ventricular noncompaction 10 (LVNC10). Identifiers: Orphanet 154, Orphanet 54260, MedGen C3715165, MONDO:0014163, OMIM 615396.
Cardiomyopathy (CMYO). Also called: Cardiomyopathies. Identifiers: Orphanet 167848, MedGen C0878544, MONDO:0004994, HP:0001638. Inheritance: Various modes of inheritance.
Hypertrophic cardiomyopathy 1 (CMH1). Also called: Familial hypertrophic cardiomyopathy 1; MYH7-Related Familial Hypertrophic Cardiomyopathy. Identifiers: MedGen C3495498, MONDO:0008647, OMIM 192600.
Hypertrophic cardiomyopathy. Also called: HYPERTROPHIC MYOCARDIOPATHY. Identifiers: Orphanet 217569, MedGen C0007194, MeSH D002312, MONDO:0005045, HP:0001639.

Allele frequency attached by ClinVar (database versions not stated): TOPMed below 0.00001.
gnomAD v4.1: 3 of 1,533,598 alleles (0.0002%); highest among the groups gnomAD compares: Non-Finnish European, 0.00026%; no homozygotes.

Submissions 1 to 14 of 23:

Labcorp Genetics (formerly Invitae), Labcorp
Classification: Pathogenic for Hypertrophic cardiomyopathy. Last evaluated: 2026-01-21. Review status: criteria provided, single submitter. Criteria: Invitae Variant Classification Sherloc (09022015). Collection method: clinical testing. Allele origin: germline.
Comment: This sequence change creates a premature translational stop signal (p.Gln969*) in the MYBPC3 gene. It is expected to result in an absent or disrupted protein product. Loss-of-function variants in MYBPC3 are known to be pathogenic (PMID: 19574547). This variant is not present in population databases (gnomAD no frequency). This premature translational stop signal has been observed in individuals with hypertrophic cardiomyopathy (PMID: 9541104, 27532257). It has also been observed to segregate with disease in related individuals. ClinVar contains an entry for this variant (Variation ID: 42669). For these reasons, this variant has been classified as Pathogenic.

Victorian Clinical Genetics Services, Murdoch Childrens Research Institute
Classification: Pathogenic for Hypertrophic cardiomyopathy 4. Last evaluated: 2025-12-17. Review status: criteria provided, single submitter. Criteria: ACMG Guidelines, 2015. Collection method: clinical testing. Allele origin: germline. Affected: yes.
Comment: This variant is classified as Pathogenic. Evidence in support of pathogenic classification: Variant is predicted to cause nonsense-mediated decay (NMD) and loss of protein (premature termination codon is located at least 54 nucleotides upstream of the final exon-exon junction); Variant is present in gnomAD <0.01 (v4: 3 heterozygote(s), 0 homozygote(s)); This variant has strong previous evidence of pathogenicity in unrelated individuals. This variant has been classified as pathogenic by clinical laboratories in ClinVar; Other NMD-predicted variant(s) comparable to the one identified in this case have very strong previous evidence for pathogenicity (DECIPHER). Additional information: This variant is heterozygous; This gene is associated with both recessive and dominant disease. Dominant inheritance is frequently reported in adult onset conditions and recessive inheritance results in a more severe early onset phenotype (OMIM); Loss of function is a known mechanism of disease in this gene and is associated with hypertrophic cardiomyopathy 4 (MIM#115197); Variants in this gene are known to have variable expressivity (PMID: 32841044); Inheritance information for this variant is not currently available in this individual.

PreventionGenetics, part of Exact Sciences
Classification: Pathogenic for MYBPC3-related condition. Last evaluated: 2025-11-24. Review status: criteria provided, single submitter. Criteria: ACMG Guidelines, 2015. Collection method: clinical testing. Allele origin: germline.
Comment: The MYBPC3 c.2905C>T variant is predicted to result in premature protein termination (p.Gln969*). This variant has been reported to be causative for hypertrophic cardiomyopathy (see for example: Teramoto et al. 2018. PubMed ID: 29398688; Table S8, McGurk et al. 2023. PubMed ID: 37652022). This variant has not been reported in a large population database (gnomAD), indicating this variant is rare. Nonsense variants in MYBPC3 are expected to be pathogenic. This variant is interpreted as pathogenic.

Institute of Human Genetics, University of Leipzig Medical Center
Classification: Pathogenic for Hypertrophic cardiomyopathy 4. Last evaluated: 2025-11-04. Review status: criteria provided, single submitter. Criteria: ACMG Guidelines, 2015. Collection method: clinical testing. Allele origin: unknown. Inheritance: Autosomal dominant inheritance. Affected: yes.
Comment: Criteria applied: PVS1,PS4,PM2_SUP,PP1

Molecular Diagnostic Laboratory for Inherited Cardiovascular Disease, Montreal Heart Institute
Classification: Pathogenic for Cardiovascular phenotype. Last evaluated: 2025-08-25. Review status: criteria provided, single submitter. Criteria: ACMG Guidelines, 2015. Collection method: clinical testing. Allele origin: germline. Affected: yes.
Comment: PVS1, PS4, PM2, PP1

Clinical Genetics Laboratory, Skane University Hospital Lund
Classification: Pathogenic. Last evaluated: 2023-07-19. Review status: criteria provided, single submitter. Criteria: ACMG Guidelines, 2015. Collection method: clinical testing. Allele origin: germline. Affected: yes.

All of Us Research Program, National Institutes of Health
Classification: Pathogenic for Hypertrophic cardiomyopathy. Last evaluated: 2023-06-26. Review status: criteria provided, single submitter. Criteria: ACMG Guidelines, 2015. Collection method: clinical testing. Allele origin: germline. Inheritance: Autosomal dominant inheritance. Observed: 1 variant allele, 1 heterozygote.
Comment: This variant changes one nucleotide in exon 27 of the MYBPC3 gene, creating a premature translation stop signal. This variant is expected to result in an absent or non-functional protein product. This variant has been reported in over 10 individuals affected with hypertrophic cardiomyopathy (PMID: 27532257, 33673806, 34137518, 35653365, 36203036) and in a large family affected with familial hypertrophic cardiomyopathy (PMID: 9541104). This variant has not been identified in the general population by the Genome Aggregation Database (gnomAD). Loss of MYBPC3 function is a known mechanism of disease. Based on the available evidence, this variant is classified as Pathogenic.

This study involves interpretation of variants in research participants for the purpose of population health screening. Participant phenotype was not available at the time of variant classification. Additional details can be found in publication PMID: 35346344, PMCID: PMC8962531

GeneDx
Classification: Pathogenic. Last evaluated: 2023-06-22. Review status: criteria provided, single submitter. Criteria: GeneDx Variant Classification Process June 2021. Collection method: clinical testing. Allele origin: germline. Affected: yes.
Comment: Identified in several patients referred for HCM genetic testing at GeneDx and found to segregate with disease in a relative of one proband; Reported in one patient with DCM (Hazebroek et al., 2015); Not observed at significant frequency in large population cohorts (gnomAD); Nonsense variant predicted to result in protein truncation or nonsense mediated decay in a gene for which loss of function is a known mechanism of disease; This variant is associated with the following publications: (PMID: 25525159, 26914223, 20359594, 22267749, 27373729, 9541104, 27532257, 15519027, 18533079, 21302287, 24111713, 26383716, 29540472, 30282064, 31006259, 29398688, 34137518, 24704860, 9541100, 33673806, 32880476, 32746448, 36203036, 34076677, 35653365)

Color Diagnostics, LLC DBA Color Health
Classification: Pathogenic for Cardiomyopathy. Last evaluated: 2023-05-04. Review status: criteria provided, single submitter. Criteria: ACMG Guidelines, 2015. Collection method: clinical testing. Allele origin: germline.
Comment: This variant changes one nucleotide in exon 27 of the MYBPC3 gene, creating a premature translation stop signal. This variant is expected to result in an absent or non-functional protein product. This variant has been reported in over 10 individuals affected with hypertrophic cardiomyopathy (PMID: 27532257, 33673806, 34137518, 35653365, 36203036) and in a large family affected with familial hypertrophic cardiomyopathy (PMID: 9541104). This variant has not been identified in the general population by the Genome Aggregation Database (gnomAD). Loss of MYBPC3 function is a known mechanism of disease. Based on the available evidence, this variant is classified as Pathogenic.

CeGaT Center for Human Genetics Tuebingen
Classification: Pathogenic. Last evaluated: 2023-05-01. Review status: criteria provided, single submitter. Criteria: CeGaT Center For Human Genetics Tuebingen Variant Classification Criteria Version 2. Collection method: clinical testing. Allele origin: germline. Affected: yes. Observed: 1 variant allele.
Comment: MYBPC3: PVS1, PM2

CHEO Genetics Diagnostic Laboratory, Children's Hospital of Eastern Ontario
Classification: Pathogenic for Cardiomyopathy. Last evaluated: 2023-03-22. Review status: criteria provided, single submitter. Criteria: ACMG Guidelines, 2015. Collection method: clinical testing. Allele origin: germline.

Fulgent Genetics
Classification: Pathogenic for Hypertrophic cardiomyopathy 4; Left ventricular noncompaction 10. Last evaluated: 2021-11-06. Review status: criteria provided, single submitter. Criteria: ACMG Guidelines, 2015. Collection method: clinical testing. Allele origin: unknown.

Blueprint Genetics
Classification: Pathogenic for MYBPC3-related disorders. Last evaluated: 2021-03-31. Review status: criteria provided, single submitter. Criteria: ACMG Guidelines, 2015. Collection method: clinical testing. Allele origin: germline. Affected: yes. Observed: 5 variant alleles.

Clinical Genetics Laboratory, Region Ostergotland
Classification: Pathogenic for Hypertrophic cardiomyopathy 4. Last evaluated: 2020-09-09. Review status: criteria provided, single submitter. Criteria: ACMG Guidelines, 2015. Collection method: clinical testing. Allele origin: germline. Affected: yes.
Comment: PVS1, PS4, PM2, PP5

NM_000256.3(MYBPC3):c.2905C>T (p.Gln969Ter)

Gene: MYBPC3 (myosin binding protein C3; minus strand). Cytogenetic location: 11p11.2.
Variant type: single nucleotide variant.
Coding change: c.2905C>T on transcript NM_000256.3 (MANE Select); coding-DNA position 2905, C replaced by T.
Protein change: p.Gln969Ter; replaces glutamine 969 with a stop codon.
Molecular consequence: nonsense.
Genome position (GRCh38, 1-based): chr11:47,335,042, G>A on the plus strand (C>T on the coding strand, the complement: MYBPC3 is on the minus strand). VCF-style: chr11-47335042-G-A. GRCh37 (hg19) VCF-style: chr11-47356593-G-A.
Other names: p.Q969*:CAA>TAA; short protein forms Q969*.
Identifiers: ClinVar variation 42669 (VCV000042669.67), dbSNP rs397515992, ClinGen allele CA013154.